The following is an entry in ClinVar:

ClinVar aggregate classification (germline): Uncertain significance (1 of 4 stars; one submission).

Conditions:
RNF113A-related disorder. Also called: RNF113A-related condition.

Allele frequency attached by ClinVar (database versions not stated): ExAC 0.00001; gnomAD exomes 0.00002.
gnomAD v4.1: 17 of 1,209,991 alleles (0.0014%); highest among the groups gnomAD compares: Non-Finnish European, 0.0019%; no homozygotes.

Submission:

PreventionGenetics, part of Exact Sciences
Classification: Uncertain significance for RNF113A-related condition. Last evaluated: 2023-07-02. Review status: criteria provided, single submitter. Criteria: ACMG Guidelines, 2015. Collection method: clinical testing. Allele origin: germline.
Comment: The RNF113A c.992T>G variant is predicted to result in the amino acid substitution p.Leu331Trp. To our knowledge, this variant has not been reported in the literature. This variant is reported in 0.0025% of alleles in individuals of European (Non-Finnish) descent in gnomAD. At this time, the clinical significance of this variant is uncertain due to the absence of conclusive functional and genetic evidence.

NM_006978.3(RNF113A):c.992T>G (p.Leu331Trp)

Gene: RNF113A (ring finger protein 113A; minus strand). Cytogenetic location: Xq24.
Variant type: single nucleotide variant.
Coding change: c.992T>G on transcript NM_006978.3 (MANE Select); coding-DNA position 992, T replaced by G.
Protein change: p.Leu331Trp; replaces leucine 331 with tryptophan.
Molecular consequence: missense variant.
Genome position (GRCh38, 1-based): chrX:119,870,622, A>C on the plus strand (T>G on the coding strand, the complement: RNF113A is on the minus strand). VCF-style: chrX-119870622-A-C. GRCh37 (hg19) VCF-style: chrX-119004585-A-C.
Other names: short protein forms L331W.
Identifiers: ClinVar variation 2632676 (VCV002632676.1), dbSNP rs774120834, ClinGen allele CA10503419.
Genomic context (GRCh38, chrX:119,870,622, plus strand): 5'-ATTTAAGAATTATGGGAAACCTAAGTAATGGGAATTGCATCCTCATCGGGGTCTTCTGGC[A>C]AGTCGGAAGCACCACCCTCTCCTGTAGCTCGATGCTTCTCTAGTTTAGCAATCAATTCTT-3'
Protein context (NP_008909.1, residues 321-341): RATGEGGASD[Leu331Trp]PEDPDEDAIP